The following is an entry in ClinVar:

ClinVar aggregate classification (germline): Uncertain significance. Review status: criteria provided, multiple submitters, no conflicts (2 of 4 stars). 2 submissions from 2 submitters: Uncertain significance (2). Last evaluated 2026-04-15.

Conditions:
Hereditary sensory and autonomic neuropathy type 6. Also called: HSAN VI; Neuropathy, hereditary sensory and autonomic, type VI. Identifiers: Orphanet 314381, MedGen C3539003, MONDO:0013839, OMIM 614653.
Epidermolysis bullosa simplex 3, localized or generalized intermediate, with BP230 deficiency (EBS3). Also called: Epidermolysis bullosa simplex due to BP230 deficiency; Epidermolysis bullosa simplex, autosomal recessive 2. Identifiers: Orphanet 412181, MedGen C3809470, MONDO:0014180, OMIM 615425.

Allele frequency attached by ClinVar (database versions not stated): gnomAD exomes 0.00003; gnomAD 0.00001; TOPMed 0.00002.
gnomAD v4.1: 44 of 1,614,108 alleles (0.0027%); highest among the groups gnomAD compares: Non-Finnish European, 0.0034%; no homozygotes.

Submissions (2):

Women's Health and Genetics/Laboratory Corporation of America, LabCorp
Classification: Uncertain significance. Last evaluated: 2026-04-15. Review status: criteria provided, single submitter. Criteria: LabCorp Variant Classification Summary - May 2015. Collection method: clinical testing. Allele origin: germline.
Comment: Variant summary: DST c.5599A>G (p.Ile1867Val) results in a conservative amino acid change in the encoded protein sequence. Algorithms developed to predict the effect of missense changes on protein structure and function are either unavailable or do not agree on the potential impact of this missense change. The variant was absent in 250678 control chromosomes. The available data on variant occurrences in the general population are insufficient to allow any conclusion about variant significance. To our knowledge, no occurrence of c.5599A>G in individuals affected with DST-related conditions and no experimental evidence demonstrating its impact on protein function have been reported. ClinVar contains an entry for this variant (Variation ID: 652742). Based on the evidence outlined above, the variant was classified as uncertain significance.

Labcorp Genetics (formerly Invitae), Labcorp
Classification: Uncertain significance for Epidermolysis bullosa simplex 3, localized or generalized intermediate, with BP230 deficiency; Hereditary sensory and autonomic neuropathy type 6. Last evaluated: 2022-07-22. Review status: criteria provided, single submitter. Criteria: Invitae Variant Classification Sherloc (09022015). Collection method: clinical testing. Allele origin: germline.
Comment: This sequence change replaces isoleucine, which is neutral and non-polar, with valine, which is neutral and non-polar, at codon 1867 of the DST protein (p.Ile1867Val). This variant is not present in population databases (gnomAD no frequency). This variant has not been reported in the literature in individuals affected with DST-related conditions. ClinVar contains an entry for this variant (Variation ID: 652742). Algorithms developed to predict the effect of missense changes on protein structure and function (SIFT, PolyPhen-2, Align-GVGD) all suggest that this variant is likely to be tolerated. In summary, the available evidence is currently insufficient to determine the role of this variant in disease. Therefore, it has been classified as a Variant of Uncertain Significance.

NM_001723.7(DST):c.5599A>G (p.Ile1867Val)

Gene: DST (dystonin; minus strand). Cytogenetic location: 6p12.1.
Variant type: single nucleotide variant.
Coding change: c.5599A>G on transcript NM_001723.7 (MANE Plus Clinical); coding-DNA position 5599, A replaced by G.
Protein change: p.Ile1867Val; replaces isoleucine 1867 with valine.
Molecular consequence: missense variant. On other transcripts: intron variant (10).
Genome position (GRCh38, 1-based): chr6:56,618,435, T>C on the plus strand (A>G on the coding strand, the complement: DST is on the minus strand). VCF-style: chr6-56618435-T-C. GRCh37 (hg19) VCF-style: chr6-56483233-T-C.
Other names: c.4831-3951A>G (NM_001144769.5); c.4930-3951A>G (NM_001374722.1, NM_001374736.1); c.4957-3951A>G (NM_001374734.1); c.4417-3951A>G (NM_001144770.2); c.4297-3951A>G (NM_001374730.1, NM_001386100.1, NM_183380.4 and 1 more transcripts); c.3319-3951A>G (NM_015548.5); short protein forms I1867V.
Identifiers: ClinVar variation 652742 (VCV000652742.9), dbSNP rs991405080, ClinGen allele CA139208902.